The following is an entry in ClinVar:

NM_015693.4(INTU):c.1063G>T (p.Glu355Ter)

Gene: INTU (inturned planar cell polarity protein; plus strand). Cytogenetic location: 4q28.1.
Variant type: single nucleotide variant.
Coding change: c.1063G>T on transcript NM_015693.4 (MANE Select); coding-DNA position 1063, G replaced by T.
Protein change: p.Glu355Ter; replaces glutamic acid 355 with a stop codon.
Molecular consequence: nonsense.
Genome position (GRCh38, 1-based): chr4:127,669,126, G>T. VCF-style: chr4-127669126-G-T. GRCh37 (hg19) VCF-style: chr4-128590281-G-T.
Other names: short protein forms E355*.
Identifiers: ClinVar variation 504481 (VCV000504481.4), dbSNP rs1037828930, ClinGen allele CA358142219.

ClinVar aggregate classification (germline): Likely pathogenic. Review status: criteria provided, single submitter (1 of 4 stars). 3 submissions from 3 submitters: Likely pathogenic (1). 2 of the submissions do not count toward it. Last evaluated 2018-10-15.

Conditions:
Short rib-polydactyly syndrome. Identifiers: Orphanet 1505, MedGen C0036996, MONDO:0015461.
Short-rib thoracic dysplasia 20 with polydactyly. Identifiers: MedGen C4693616, MONDO:0044328, OMIM 617925.

Submissions (3):

SIB Swiss Institute of Bioinformatics
Classification: Likely pathogenic for Short-rib thoracic dysplasia 20 with polydactyly. Last evaluated: 2018-10-15. Review status: criteria provided, single submitter. Criteria: ACMG Guidelines, 2015. Collection method: curation. Allele origin: unknown.
Comment: This variant is interpreted as Likely Pathogenic, for Short-rib thoracic dysplasia 20 with polydactyly, autosomal recessive. The following ACMG Tag(s) were applied: PS3 => Well-established functional studies show a deleterious effect (PubMed 27158779). PP3 => Multiple lines of computational evidence support a deleterious effect on the gene or gene product. PVS1-Moderate => PVS1 downgraded in strength to Moderate. PM2 => Absent from controls (or at extremely low frequency if recessive) in Exome Sequencing Project, 1000 Genomes Project, or Exome Aggregation Consortium.

OMIM
Classification: Pathogenic for SHORT-RIB THORACIC DYSPLASIA 20 WITH POLYDACTYLY (1 patient). Last evaluated: 2019-07-16. Review status: no assertion criteria provided. Collection method: literature only. Allele origin: germline. Not counted in ClinVar's aggregate classification.

University of Washington Center for Mendelian Genomics, University of Washington
Classification: Likely pathogenic for Short Rib Polydactyly Syndrome. Last evaluated: 2016-05-09. Review status: no assertion criteria provided. Collection method: research. Allele origin: unknown. Affected: yes. Observed: 1 compound heterozygote. Not counted in ClinVar's aggregate classification.

Literature cited by the submitters: PubMed 27158779 (cited by 3 submitters).